The following is an entry in ClinVar:

ClinVar aggregate classification (germline): Uncertain significance. Review status: criteria provided, multiple submitters, no conflicts (2 of 4 stars). 5 submissions from 5 submitters: Uncertain significance (5). Last evaluated 2026-01-19.

Conditions:
Hereditary cancer-predisposing syndrome. Also called: Tumor predisposition; Neoplastic Syndromes, Hereditary; Hereditary Cancer Syndrome; Hereditary neoplastic syndrome. Identifiers: Orphanet 140162, MedGen C0027672, MeSH D009386, MONDO:0015356.
Colorectal cancer, susceptibility to, 12 (CRCS12). Also called: COLORECTAL CANCER, SUSCEPTIBILITY TO, ON CHROMOSOME 12q24. Identifiers: Orphanet 220460, MedGen C3554460, MONDO:0014038, OMIM 615083.

Allele frequency attached by ClinVar (database versions not stated): ExAC 0.00002; gnomAD exomes 0.00002 and 0.00004; gnomAD 0.00014 and 0.00017; TOPMed 0.00014.
gnomAD v4.1: 50 of 1,613,212 alleles (0.0031%); highest among the groups gnomAD compares: African/African-American, 0.047%; 1 homozygote.

Submissions (5):

Labcorp Genetics (formerly Invitae), Labcorp
Classification: Uncertain significance. Last evaluated: 2026-01-19. Review status: criteria provided, single submitter. Criteria: Invitae Variant Classification Sherloc (09022015). Collection method: clinical testing. Allele origin: germline.
Comment: This sequence change replaces arginine, which is basic and polar, with tryptophan, which is neutral and slightly polar, at codon 1308 of the POLE protein (p.Arg1308Trp). This variant is present in population databases (rs763854815, gnomAD 0.03%). This variant has not been reported in the literature in individuals affected with POLE-related conditions. ClinVar contains an entry for this variant (Variation ID: 240491). Invitae Evidence Modeling of protein sequence and biophysical properties (such as structural, functional, and spatial information, amino acid conservation, physicochemical variation, residue mobility, and thermodynamic stability) has been performed for this missense variant. However, the output from this modeling did not meet the statistical confidence thresholds required to predict the impact of this variant on POLE protein function. In summary, the available evidence is currently insufficient to determine the role of this variant in disease. Therefore, it has been classified as a Variant of Uncertain Significance.

GeneDx
Classification: Uncertain significance. Last evaluated: 2025-03-10. Review status: criteria provided, single submitter. Criteria: GeneDx Variant Classification Process June 2021. Collection method: clinical testing. Allele origin: germline. Affected: yes.
Comment: In silico analysis supports that this missense variant has a deleterious effect on protein structure/function; Has not been previously published as pathogenic or benign to our knowledge

Ambry Genetics
Classification: Uncertain significance for Hereditary cancer-predisposing syndrome. Last evaluated: 2024-12-05. Review status: criteria provided, single submitter. Criteria: Ambry Variant Classification Scheme 2023. Collection method: clinical testing. Allele origin: germline.
Comment: The p.R1308W variant (also known as c.3922C>T), located in coding exon 31 of the POLE gene, results from a C to T substitution at nucleotide position 3922. The arginine at codon 1308 is replaced by tryptophan, an amino acid with dissimilar properties. This amino acid position is highly conserved in available vertebrate species. In addition, the in silico prediction for this alteration is inconclusive. Based on the available evidence, the clinical significance of this variant remains unclear.

St. Jude Molecular Pathology, St. Jude Children's Research Hospital
Classification: Uncertain significance for Colorectal cancer, susceptibility to, 12. Last evaluated: 2024-09-05. Review status: criteria provided, single submitter. Criteria: St. Jude Assertion Criteria 2020. Collection method: clinical testing. Allele origin: germline.
Comment: The POLE c.3922C>T (p.Arg1308Trp) missense change has a maximum non-founder population frequency of 0.029% in gnomAD v2.1.1. The in silico tool REVEL is inconclusive about a pathogenic or benign effect of this variant on protein function, and functional studies have not been performed. This variant has not been reported in the literature in individuals with POLE-related disease. It does not affect the proofreading exonuclease domain of POLE. In summary, the evidence currently available is insufficient to determine the clinical significance of this variant. It has therefore been classified as of uncertain significance.

Quest Diagnostics Nichols Institute San Juan Capistrano
Classification: Uncertain significance. Last evaluated: 2018-06-21. Review status: criteria provided, single submitter. Criteria: Quest Diagnostics criteria. Collection method: clinical testing. Allele origin: germline.

NM_006231.4(POLE):c.3922C>T (p.Arg1308Trp)

Gene: POLE (DNA polymerase epsilon, catalytic subunit; minus strand). Cytogenetic location: 12q24.33.
Variant type: single nucleotide variant.
Coding change: c.3922C>T on transcript NM_006231.4 (MANE Select); coding-DNA position 3922, C replaced by T.
Protein change: p.Arg1308Trp; replaces arginine 1308 with tryptophan.
Molecular consequence: missense variant.
Genome position (GRCh38, 1-based): chr12:132,649,389, G>A on the plus strand (C>T on the coding strand, the complement: POLE is on the minus strand). VCF-style: chr12-132649389-G-A. GRCh37 (hg19) VCF-style: chr12-133225975-G-A.
Other names: short protein forms R1308W.
Identifiers: ClinVar variation 240491 (VCV000240491.24), dbSNP rs763854815, ClinGen allele CA6893051.